The following is an entry in ClinVar:

ClinVar aggregate classification (germline): Conflicting classifications of pathogenicity. Review status: criteria provided, conflicting classifications (1 of 4 stars). 5 submissions from 5 submitters: Uncertain significance (2); Likely benign (3). Last evaluated 2024-09-12.

Conditions:
Hereditary cancer-predisposing syndrome. Also called: Tumor predisposition; Neoplastic Syndromes, Hereditary; Hereditary Cancer Syndrome; Hereditary neoplastic syndrome. Identifiers: Orphanet 140162, MedGen C0027672, MeSH D009386, MONDO:0015356.
Hereditary diffuse gastric adenocarcinoma (HDGC). Also called: DIFFUSE GASTRIC AND LOBULAR BREAST CANCER SYNDROME. Identifiers: Orphanet 26106, MedGen C1708349, MONDO:0007648, OMIM 137215.

Allele frequency attached by ClinVar (database versions not stated): TOPMed below 0.00001; gnomAD 0.00001.
gnomAD v4.1: 1 of 1,614,064 alleles (0.000062%); highest among the groups gnomAD compares: Admixed American, 0.0017%; no homozygotes.

Submissions (5):

Myriad Genetics, Inc.
Classification: Likely benign for Hereditary diffuse gastric adenocarcinoma. Last evaluated: 2024-09-12. Review status: criteria provided, single submitter. Criteria: Myriad Autosomal Dominant, Autosomal Recessive and X-Linked Classification Criteria (2023). Collection method: clinical testing. Allele origin: unknown.
Comment: This variant is considered likely benign. This variant is intronic and is not expected to impact mRNA splicing.

Women's Health and Genetics/Laboratory Corporation of America, LabCorp
Classification: Uncertain significance. Last evaluated: 2024-06-16. Review status: criteria provided, single submitter. Criteria: LabCorp Variant Classification Summary - May 2015. Collection method: clinical testing. Allele origin: germline.

Labcorp Genetics (formerly Invitae), Labcorp
Classification: Likely benign for Hereditary diffuse gastric adenocarcinoma. Last evaluated: 2023-11-27. Review status: criteria provided, single submitter. Criteria: Invitae Variant Classification Sherloc (09022015). Collection method: clinical testing. Allele origin: germline.

Color Diagnostics, LLC DBA Color Health
Classification: Uncertain significance for Hereditary cancer-predisposing syndrome. Last evaluated: 2023-03-06. Review status: criteria provided, single submitter. Criteria: ACMG Guidelines, 2015. Collection method: clinical testing. Allele origin: germline.
Comment: This variant causes a T to C nucleotide substitution at the -3 position of intron 3 of the CDH1 gene. To our knowledge, RNA studies have not been reported for this variant. This variant has not been reported in individuals affected with CDH1-related disorders in the literature. This variant has not been identified in the general population by the Genome Aggregation Database (gnomAD). The available evidence is insufficient to determine the role of this variant in disease conclusively. Therefore, this variant is classified as a Variant of Uncertain Significance.

Ambry Genetics
Classification: Likely benign for Hereditary cancer-predisposing syndrome. Last evaluated: 2020-02-07. Review status: criteria provided, single submitter. Criteria: Ambry Variant Classification Scheme 2023. Collection method: clinical testing. Allele origin: germline.

NM_004360.5(CDH1):c.388-3T>C

Gene: CDH1 (cadherin 1; plus strand). Cytogenetic location: 16q22.1.
Variant type: single nucleotide variant.
Coding change: c.388-3T>C on transcript NM_004360.5 (MANE Select); 3 bases into the intron before coding-DNA position 388, T replaced by C.
Molecular consequence: intron variant.
Genome position (GRCh38, 1-based): chr16:68,808,421, T>C. VCF-style: chr16-68808421-T-C. GRCh37 (hg19) VCF-style: chr16-68842324-T-C.
Other names: c.388-3T>C (LRG_301t1, NM_001317184.2); c.-1228-3T>C (NM_001317185.2); c.-1432-3T>C (NM_001317186.2).
Identifiers: ClinVar variation 479508 (VCV000479508.12), dbSNP rs112139520, ClinGen allele CA283296779.
Genomic context (GRCh38, chr16:68,808,421, plus strand): 5'-TGTTAGACCTGAAGTATCCGTCTTGAATTGTCTTATCTTGTTCCTCATCTTCTTTCCTTT[T>C]AGGCCTCCGTTTCTGGAATCCAAGCAGAATTGCTCACATTTCCCAACTCCTCTCCTGGCC-3'